The following is an entry in ClinVar:

ClinVar aggregate classification (germline): Pathogenic. Review status: criteria provided, multiple submitters, no conflicts (2 of 4 stars). 4 submissions from 4 submitters: Pathogenic (3). 1 of the submissions does not count toward it. Last evaluated 2025-01-29.

Conditions:
Mucopolysaccharidosis type 1. Also called: Mucopolysaccharidosis Type I; IDUA deficiency; MPS I. Identifiers: Orphanet 579, MedGen C0023786, MONDO:0001586.
Hurler syndrome. Also called: Gargoylism, Hurler Syndrome; MUCOPOLYSACCHARIDOSIS TYPE IH; Severe MPS I (Hurler Syndrome). Identifiers: Orphanet 93473, MedGen C0086795, MONDO:0011758, OMIM 607014.

Allele frequency attached by ClinVar (database versions not stated): ExAC 0.00001; gnomAD exomes 0.00001 and below 0.00001.
gnomAD v4.1: 13 of 1,613,238 alleles (0.00081%); highest among the groups gnomAD compares: Non-Finnish European, 0.0011%; no homozygotes.

Submissions (4):

Natera, Inc.
Classification: Pathogenic for Mucopolysaccharidosis type I. Last evaluated: 2025-01-29. Review status: criteria provided, single submitter. Criteria: Natera Variant Classification Schema (03/2026). Collection method: clinical testing. Allele origin: germline.
Comment: The c.1044C>G variant in IDUA is a missense variant predicted to cause substitution of asparagine to lysine at amino acid 348. This variant is rare in the general population with a frequency below the threshold expected for the associated phenotype(s). This variant has been observed in one or more individuals affected with the associated recessive disease, as either homozygous or compound heterozygous with a second variant (PMID: 23837464, 33301762, 24875751). Additionally, this variant has been observed to segregate in affected family members (PMID: 23837464, 33301762). Functional studies show that this variant may disrupt protein function (PMID: 24875751). Computational prediction algorithms indicate this variant is likely to affect gene or protein function. Given the available evidence, this variant is classified as Pathogenic.

Labcorp Genetics (formerly Invitae), Labcorp
Classification: Pathogenic for Mucopolysaccharidosis type 1. Last evaluated: 2022-05-25. Review status: criteria provided, single submitter. Criteria: Invitae Variant Classification Sherloc (09022015). Collection method: clinical testing. Allele origin: germline.
Comment: For these reasons, this variant has been classified as Pathogenic. Experimental studies have shown that this missense change affects IDUA function (PMID: 24875751). Advanced modeling of protein sequence and biophysical properties (such as structural, functional, and spatial information, amino acid conservation, physicochemical variation, residue mobility, and thermodynamic stability) performed at Invitae indicates that this missense variant is expected to disrupt IDUA protein function. ClinVar contains an entry for this variant (Variation ID: 557870). This missense change has been observed in individual(s) with IDUA-related conditions (PMID: 21394825, 23837464, 24875751). This variant is present in population databases (rs746766617, gnomAD 0.0009%). This sequence change replaces asparagine, which is neutral and polar, with lysine, which is basic and polar, at codon 348 of the IDUA protein (p.Asn348Lys).

Revvity Omics, Revvity
Classification: Pathogenic. Last evaluated: 2021-09-03. Review status: criteria provided, single submitter. Criteria: ACMG Guidelines, 2015. Collection method: clinical testing. Allele origin: germline.

Counsyl
Classification: Likely pathogenic for Hurler syndrome. Last evaluated: 2018-04-13. Review status: no assertion criteria provided. Collection method: clinical testing. Allele origin: unknown. Not counted in ClinVar's aggregate classification.

Literature cited by the submitters: PubMed 23837464 (cited by 3 submitters); PubMed 33301762 (cited by Natera, Inc.); PubMed 24875751 (cited by 3 submitters); PubMed 21394825 (cited by Labcorp Genetics (formerly Invitae), Labcorp and Counsyl).

NM_000203.5(IDUA):c.1044C>G (p.Asn348Lys)

Gene: IDUA (alpha-L-iduronidase; plus strand). Cytogenetic location: 4p16.3.
Variant type: single nucleotide variant.
Coding change: c.1044C>G on transcript NM_000203.5 (MANE Select); coding-DNA position 1044, C replaced by G.
Protein change: p.Asn348Lys; replaces asparagine 348 with lysine.
Molecular consequence: missense variant. On other transcripts: non-coding transcript variant (1).
Genome position (GRCh38, 1-based): chr4:1,002,340, C>G. VCF-style: chr4-1002340-C-G. GRCh37 (hg19) VCF-style: chr4-996128-C-G.
Other names: c.648C>G, p.Asn216Lys (NM_001363576.1); short protein forms N348K, N216K.
Identifiers: ClinVar variation 557870 (VCV000557870.15), dbSNP rs746766617, ClinGen allele CA2802172.
Genomic context (GRCh38, chr4:1,002,340, plus strand): 5'-GCATCAGAACCTGCTACTGGCCAACACCACCTCCGCCTTCCCCTACGCGCTCCTGAGCAA[C>G]GACAATGCCTTCCTGAGCTACCACCCGCACCCCTTCGCGCAGCGCACGCTCACCGCGCGC-3'
Protein context (NP_000194.2, residues 338-358): TSAFPYALLS[Asn348Lys]DNAFLSYHPH